The following is an entry in ClinVar:

ClinVar aggregate classification (germline): Uncertain significance (1 of 4 stars; one submission).

Conditions:
Myofibrillar myopathy 3 (MFM3). Also called: Muscular dystrophy, proximal, type 1A; Autosomal dominant spheroid body myopathy. Identifiers: Orphanet 266, Orphanet 268129, MedGen C3714934, MONDO:0012215, OMIM 609200.

Submission:

Labcorp Genetics (formerly Invitae), Labcorp
Classification: Uncertain significance for Myofibrillar myopathy 3. Last evaluated: 2024-06-24. Review status: criteria provided, single submitter. Criteria: Invitae Variant Classification Sherloc (09022015). Collection method: clinical testing. Allele origin: germline.
Comment: This sequence change replaces threonine, which is neutral and polar, with isoleucine, which is neutral and non-polar, at codon 28 of the MYOT protein (p.Thr28Ile). This variant is not present in population databases (gnomAD no frequency). This variant has not been reported in the literature in individuals affected with MYOT-related conditions. ClinVar contains an entry for this variant (Variation ID: 657689). Algorithms developed to predict the effect of missense changes on protein structure and function output the following: SIFT: "Not Available"; PolyPhen-2: "Benign"; Align-GVGD: "Not Available". The isoleucine amino acid residue is found in multiple mammalian species, which suggests that this missense change does not adversely affect protein function. In summary, the available evidence is currently insufficient to determine the role of this variant in disease. Therefore, it has been classified as a Variant of Uncertain Significance.

NM_006790.3(MYOT):c.83C>T (p.Thr28Ile)

Genes: MYOT (myotilin; plus strand), PKD2L2-DT (PKD2L2 divergent transcript; minus strand). Cytogenetic location: 5q31.2.
Variant type: single nucleotide variant.
Coding change: c.83C>T on transcript NM_006790.3 (MANE Select); coding-DNA position 83, C replaced by T.
Protein change: p.Thr28Ile; replaces threonine 28 with isoleucine.
Molecular consequence: missense variant. On other transcripts: intron variant (2).
Genome position (GRCh38, 1-based): chr5:137,870,734, C>T. VCF-style: chr5-137870734-C-T. GRCh37 (hg19) VCF-style: chr5-137206423-C-T.
Other names: c.-120-143C>T (NM_001300911.2); c.-197+209C>T (NM_001135940.2); short protein forms T28I.
Identifiers: ClinVar variation 657689 (VCV000657689.9), dbSNP rs767662244, ClinGen allele CA361477912.